The following is an entry in ClinVar:

ClinVar aggregate classification (germline): Likely benign. Review status: criteria provided, multiple submitters, no conflicts (2 of 4 stars). 2 submissions from 2 submitters: Likely benign (2). Last evaluated 2023-03-09.

Conditions:
Hypercholesterolemia, autosomal dominant, 3 (FHCL3). Also called: Familial Hypercholesterolemia, Autosomal Dominant, 3; PCSK9-Related Familial Hypercholesterolemia, Autosomal Dominant; Familial hypercholesterolemia 3. Identifiers: MedGen C1863551, MONDO:0011369, OMIM 603776.
Cardiovascular phenotype. Identifiers: MedGen CN230736.

Allele frequency attached by ClinVar (database versions not stated): TOPMed 0.00002.

Submissions (2):

All of Us Research Program, National Institutes of Health
Classification: Likely benign for Hypercholesterolemia, autosomal dominant, 3. Last evaluated: 2023-03-09. Review status: criteria provided, single submitter. Criteria: ACMG Guidelines, 2015. Collection method: clinical testing. Allele origin: germline. Inheritance: Autosomal dominant inheritance. Observed: 1 variant allele, 1 heterozygote.
Comment: This study involves interpretation of variants in research participants for the purpose of population health screening. Participant phenotype was not available at the time of variant classification. Additional details can be found in publication PMID: 35346344, PMCID: PMC8962531

Ambry Genetics
Classification: Likely benign for Cardiovascular phenotype. Last evaluated: 2020-03-17. Review status: criteria provided, single submitter. Criteria: Ambry Variant Classification Scheme 2023. Collection method: clinical testing. Allele origin: germline.

NM_174936.4(PCSK9):c.180C>T (p.Thr60=)

Gene: PCSK9 (proprotein convertase subtilisin/kexin type 9; plus strand). Cytogenetic location: 1p32.3.
Variant type: single nucleotide variant.
Coding change: c.180C>T on transcript NM_174936.4 (MANE Select); coding-DNA position 180, C replaced by T.
Protein change: p.Thr60=; no amino-acid change (threonine 60 retained).
Molecular consequence: synonymous variant. On other transcripts: 5 prime UTR variant (1), non-coding transcript variant (8).
Genome position (GRCh38, 1-based): chr1:55,040,017, C>T. VCF-style: chr1-55040017-C-T. GRCh37 (hg19) VCF-style: chr1-55505690-C-T.
Other names: c.180C>T, p.Thr60= (NM_001407240.1, NM_001407241.1, NM_001407242.1 and 4 more transcripts); c.-555C>T (NM_001407246.1).
Identifiers: ClinVar variation 1780553 (VCV001780553.3), dbSNP rs1304326262, ClinGen allele CA417957441.